The following is an entry in ClinVar:

ClinVar aggregate classification (germline): Uncertain significance (1 of 4 stars; one submission).

Conditions:
Rubinstein-Taybi syndrome (RSTS). Identifiers: Orphanet 783, MedGen C0035934, MONDO:0019188.

gnomAD v4.1: 12 of 1,613,830 alleles (0.00074%); highest among the groups gnomAD compares: South Asian, 0.0011%; no homozygotes.

Submission:

Labcorp Genetics (formerly Invitae), Labcorp
Classification: Uncertain significance for Rubinstein-Taybi syndrome. Last evaluated: 2025-05-27. Review status: criteria provided, single submitter. Criteria: Invitae Variant Classification Sherloc (09022015). Collection method: clinical testing. Allele origin: germline.
Comment: This sequence change replaces arginine, which is basic and polar, with glutamine, which is neutral and polar, at codon 2190 of the CREBBP protein (p.Arg2190Gln). This variant is not present in population databases (gnomAD no frequency). This variant has not been reported in the literature in individuals affected with CREBBP-related conditions. Invitae Evidence Modeling of protein sequence and biophysical properties (such as structural, functional, and spatial information, amino acid conservation, physicochemical variation, residue mobility, and thermodynamic stability) indicates that this missense variant is not expected to disrupt CREBBP protein function with a negative predictive value of 95%. In summary, the available evidence is currently insufficient to determine the role of this variant in disease. Therefore, it has been classified as a Variant of Uncertain Significance.

NM_004380.3(CREBBP):c.6569G>A (p.Arg2190Gln)

Gene: CREBBP (CREB binding lysine acetyltransferase; minus strand). Cytogenetic location: 16p13.3.
Variant type: single nucleotide variant.
Coding change: c.6569G>A on transcript NM_004380.3 (MANE Select); coding-DNA position 6569, G replaced by A.
Protein change: p.Arg2190Gln; replaces arginine 2190 with glutamine.
Molecular consequence: missense variant.
Genome position (GRCh38, 1-based): chr16:3,728,478, C>T on the plus strand (G>A on the coding strand, the complement: CREBBP is on the minus strand). VCF-style: chr16-3728478-C-T. GRCh37 (hg19) VCF-style: chr16-3778479-C-T.
Other names: c.6455G>A, p.Arg2152Gln (NM_001079846.1); short protein forms R2152Q, R2190Q.
Identifiers: ClinVar variation 4762399 (VCV004762399.1).